The following is an entry in ClinVar:

NM_020822.3(KCNT1):c.3661A>G (p.Lys1221Glu)

Gene: KCNT1 (potassium sodium-activated channel subfamily T member 1; plus strand). Cytogenetic location: 9q34.3.
Variant type: single nucleotide variant.
Coding change: c.3661A>G on transcript NM_020822.3 (MANE Select); coding-DNA position 3661, A replaced by G.
Protein change: p.Lys1221Glu; replaces lysine 1221 with glutamic acid.
Molecular consequence: missense variant.
Genome position (GRCh38, 1-based): chr9:135,792,114, A>G. VCF-style: chr9-135792114-A-G. GRCh37 (hg19) VCF-style: chr9-138683960-A-G.
Other names: c.3589A>G, p.Lys1197Glu (NM_001272003.2); short protein forms K1197E, K1221E.
Identifiers: ClinVar variation 2082576 (VCV002082576.4), dbSNP rs750010473, ClinGen allele CA375494473.
Genomic context (GRCh38, chr9:135,792,114, plus strand): 5'-TCCGACCCCCTGGCTCACGTGGCCAGCAGCTCCCAGAGCCGGAAGAGCAGCTGCAGCCAC[A>G]AGCTGTCGTCCTGCAACCCCGAGACTCGCGACGAGACACAGCTCTGAGCCAGCCCTGCAC-3'
Protein context (NP_065873.2, residues 1211-1231): SQSRKSSCSH[Lys1221Glu]LSSCNPETRD

ClinVar aggregate classification (germline): Uncertain significance (1 of 4 stars; one submission).

Conditions:
Autosomal dominant nocturnal frontal lobe epilepsy 5. Also called: CILIARY DYSKINESIA, PRIMARY, 28, WITHOUT SITUS INVERSUS; CILIARY DYSKINESIA, PRIMARY, 28, WITH SITUS INVERSUS; Epilepsy, nocturnal frontal lobe, 5; KCNT1-Related Epilepsy. Identifiers: Orphanet 98784, MedGen C3554306, MONDO:0014002, OMIM 615005.
Developmental and epileptic encephalopathy, 14 (DEE14). Also called: Early infantile epileptic encephalopathy 14. Identifiers: Orphanet 293181, MedGen C3554195, MONDO:0013989, OMIM 614959.

Submission:

Labcorp Genetics (formerly Invitae), Labcorp
Classification: Uncertain significance for Autosomal dominant nocturnal frontal lobe epilepsy 5; Developmental and epileptic encephalopathy, 14. Last evaluated: 2022-01-14. Review status: criteria provided, single submitter. Criteria: Invitae Variant Classification Sherloc (09022015). Collection method: clinical testing. Allele origin: germline.
Comment: This sequence change replaces lysine, which is basic and polar, with glutamic acid, which is acidic and polar, at codon 1221 of the KCNT1 protein (p.Lys1221Glu). In summary, the available evidence is currently insufficient to determine the role of this variant in disease. Therefore, it has been classified as a Variant of Uncertain Significance. Advanced modeling of protein sequence and biophysical properties (such as structural, functional, and spatial information, amino acid conservation, physicochemical variation, residue mobility, and thermodynamic stability) performed at Invitae indicates that this missense variant is not expected to disrupt KCNT1 protein function. This variant has not been reported in the literature in individuals affected with KCNT1-related conditions. This variant is not present in population databases (gnomAD no frequency).